The following is an entry in ClinVar:

ClinVar aggregate classification (germline): Uncertain significance (1 of 4 stars; one submission).

Conditions:
Focal segmental glomerulosclerosis 7 (FSGS7). Identifiers: Orphanet 656, MedGen C4014925, MONDO:0014451, OMIM 616002.
Renal coloboma syndrome (PAPRS). Also called: PAPILLORENAL SYNDROME; CONGENITAL ANOMALIES OF THE KIDNEY AND URINARY TRACT WITH OR WITHOUT OCULAR ABNORMALITIES; CAKUT WITH OR WITHOUT OCULAR ABNORMALITIES; PAPILLORENAL SYNDROME WITH MILD OCULAR ABNORMALITIES; COLOBOMA OF OPTIC NERVE WITH RENAL DISEASE; OPTIC COLOBOMA, VESICOURETERAL REFLUX, AND RENAL ANOMALIES. Identifiers: Orphanet 1475, MedGen C1852759, MONDO:0007352, OMIM 120330.

Allele frequency attached by ClinVar (database versions not stated): gnomAD 0.00002.
gnomAD v4.1: 4 of 1,611,600 alleles (0.00025%); highest among the groups gnomAD compares: African/African-American, 0.0053%; no homozygotes.

Submission:

Labcorp Genetics (formerly Invitae), Labcorp
Classification: Uncertain significance for Renal coloboma syndrome; Focal segmental glomerulosclerosis 7. Last evaluated: 2022-09-12. Review status: criteria provided, single submitter. Criteria: Invitae Variant Classification Sherloc (09022015). Collection method: clinical testing. Allele origin: germline.
Comment: In summary, the available evidence is currently insufficient to determine the role of this variant in disease. Therefore, it has been classified as a Variant of Uncertain Significance. Experimental studies and prediction algorithms are not available or were not evaluated, and the functional significance of this variant is currently unknown. This variant has not been reported in the literature in individuals affected with PAX2-related conditions. This variant is present in population databases (no rsID available, gnomAD 0.01%). This sequence change replaces aspartic acid, which is acidic and polar, with histidine, which is basic and polar, at codon 35 of the PAX2 protein (p.Asp35His).

NM_000278.5(PAX2):c.103G>C (p.Asp35His)

Gene: PAX2 (paired box 2; plus strand). Cytogenetic location: 10q24.31.
Variant type: single nucleotide variant.
Coding change: c.103G>C on transcript NM_000278.5 (MANE Select); coding-DNA position 103, G replaced by C.
Protein change: p.Asp35His; replaces aspartic acid 35 with histidine.
Molecular consequence: missense variant.
Genome position (GRCh38, 1-based): chr10:100,749,805, G>C. VCF-style: chr10-100749805-G-C. GRCh37 (hg19) VCF-style: chr10-102509562-G-C.
Other names: c.196G>C, p.Asp66His (NM_001304569.2); c.103G>C, p.Asp35His (NM_003987.5, NM_003988.5, NM_003989.5 and 1 more transcripts); short protein forms D66H, D35H.
Identifiers: ClinVar variation 1930128 (VCV001930128.5), dbSNP rs968200750, ClinGen allele CA213063352.